The following is an entry in ClinVar:

ClinVar aggregate classification (germline): Likely benign. Review status: criteria provided, single submitter (1 of 4 stars). 2 submissions from 2 submitters: Likely benign (1). 1 of the submissions does not count toward it. Last evaluated 2025-12-30.

Conditions:
GABRB1-related disorder. Also called: GABRB1-related condition.

Allele frequency attached by ClinVar (database versions not stated): gnomAD exomes 0.00002 and 0.00011; ExAC 0.00008; gnomAD 0.00027 and 0.00028; TOPMed 0.00037; ESP Exome Variant Server 0.00038; 1000 Genomes Project 30x 0.00047; 1000 Genomes Project 0.00060.
gnomAD v4.1: 79 of 1,573,086 alleles (0.005%); highest among the groups gnomAD compares: African/African-American, 0.081%; no homozygotes.

Submissions (2):

Labcorp Genetics (formerly Invitae), Labcorp
Classification: Likely benign. Last evaluated: 2025-12-30. Review status: criteria provided, single submitter. Criteria: Invitae Variant Classification Sherloc (09022015). Collection method: clinical testing. Allele origin: germline.

PreventionGenetics, part of Exact Sciences
Classification: Likely benign for GABRB1-related condition. Last evaluated: 2019-09-17. Review status: no assertion criteria provided. Collection method: clinical testing. Allele origin: germline. Not counted in ClinVar's aggregate classification.
Comment: This variant is classified as likely benign based on ACMG/AMP sequence variant interpretation guidelines (Richards et al. 2015 PMID: 25741868, with internal and published modifications).

NM_000812.4(GABRB1):c.462-5A>G

Gene: GABRB1 (gamma-aminobutyric acid type A receptor subunit beta1; plus strand). Cytogenetic location: 4p12.
Variant type: single nucleotide variant.
Coding change: c.462-5A>G on transcript NM_000812.4 (MANE Select); 5 bases into the intron before coding-DNA position 462, A replaced by G.
Molecular consequence: intron variant.
Genome position (GRCh38, 1-based): chr4:47,320,122, A>G. VCF-style: chr4-47320122-A-G. GRCh37 (hg19) VCF-style: chr4-47322139-A-G.
Other names: c.462-5A>G (NM_000812.3).
Identifiers: ClinVar variation 1558483 (VCV001558483.10), dbSNP rs112142100, ClinGen allele CA2907604.